The following is an entry in ClinVar:

NM_000350.3(ABCA4):c.5312+2T>G

Gene: ABCA4 (ATP binding cassette subfamily A member 4; minus strand). Cytogenetic location: 1p22.1.
Variant type: single nucleotide variant.
Coding change: c.5312+2T>G on transcript NM_000350.3 (MANE Select); the canonical splice donor site of the intron after coding-DNA position 5312, T replaced by G.
Molecular consequence: splice donor variant.
Genome position (GRCh38, 1-based): chr1:94,015,737, A>C on the plus strand (T>G on the coding strand, the complement: ABCA4 is on the minus strand). VCF-style: chr1-94015737-A-C. GRCh37 (hg19) VCF-style: chr1-94481293-A-C.
Identifiers: ClinVar variation 938486 (VCV000938486.12), dbSNP rs1307108997, ClinGen allele CA341281541.
Genomic context (GRCh38, chr1:94,015,737, plus strand): 5'-TCCCCCACCCCCACCACCAGGCTTCTCTTCAGAGGCATTAGCTAATGGCCCAAACGGCTT[A>C]CCCATACAGCAGGAGCAGTGCCACAAGGGCAGGAAGGTTTTCTGGAGAAGTGTAGGCTTT-3'

ClinVar aggregate classification (germline): Pathogenic. Review status: criteria provided, multiple submitters, no conflicts (2 of 4 stars). 2 submissions from 2 submitters: Pathogenic (2). Last evaluated 2025-08-11.

Allele frequency attached by ClinVar (database versions not stated): gnomAD exomes below 0.00001.
gnomAD v4.1: 2 of 1,612,612 alleles (0.00012%); highest among the groups gnomAD compares: Non-Finnish European, 0.00017%; no homozygotes.

Submissions (2):

Labcorp Genetics (formerly Invitae), Labcorp
Classification: Pathogenic. Last evaluated: 2025-08-11. Review status: criteria provided, single submitter. Criteria: Invitae Variant Classification Sherloc (09022015). Collection method: clinical testing. Allele origin: germline.
Comment: This sequence change affects a donor splice site in intron 37 of the ABCA4 gene. It is expected to disrupt RNA splicing. Variants that disrupt the donor or acceptor splice site typically lead to a loss of protein function (PMID: 16199547), and loss-of-function variants in ABCA4 are known to be pathogenic (PMID: 10958761, 24938718, 25312043, 26780318). This variant is present in population databases (no rsID available, gnomAD 0.0009%). Disruption of this splice site has been observed in individuals with ABCA4-related disorders (PMID: 28118664, 28947085). ClinVar contains an entry for this variant (Variation ID: 938486). Algorithms developed to predict the effect of sequence changes on RNA splicing suggest that this variant may disrupt the consensus splice site. For these reasons, this variant has been classified as Pathogenic.

GeneDx
Classification: Pathogenic. Last evaluated: 2023-01-17. Review status: criteria provided, single submitter. Criteria: GeneDx Variant Classification Process June 2021. Collection method: clinical testing. Allele origin: germline. Affected: yes.
Comment: Not observed at significant frequency in large population cohorts (gnomAD); A different splice variant at this donor site (c.5312+1G>A) has been reported as pathogenic in the published literature and in ClinVar in association with Stargardt disease (Zernant et al,.2011; Schulz et al., 2017; ClinVar SCV000281921.2; ClinVar); Canonical splice site variant predicted to result in a null allele in a gene for which loss of function is a known mechanism of disease; This variant is associated with the following publications: (PMID: 26593885, 29848554, 32413971)

Literature cited by the submitters: PubMed 16199547 (cited by Labcorp Genetics (formerly Invitae), Labcorp); PubMed 10958761 (cited by Labcorp Genetics (formerly Invitae), Labcorp); PubMed 24938718 (cited by Labcorp Genetics (formerly Invitae), Labcorp); PubMed 25312043 (cited by Labcorp Genetics (formerly Invitae), Labcorp); PubMed 26780318 (cited by Labcorp Genetics (formerly Invitae), Labcorp); PubMed 28118664 (cited by Labcorp Genetics (formerly Invitae), Labcorp); PubMed 28947085 (cited by Labcorp Genetics (formerly Invitae), Labcorp).